The following is an entry in ClinVar:

NM_001267550.2(TTN):c.6913G>C (p.Glu2305Gln)

Genes: TTN (titin; minus strand), LOC126806433 (BRD4-independent group 4 enhancer GRCh37_chr2:179638309-179639508; plus strand). Cytogenetic location: 2q31.2.
Variant type: single nucleotide variant.
Coding change: c.6913G>C on transcript NM_001267550.2 (MANE Select); coding-DNA position 6913, G replaced by C.
Protein change: p.Glu2305Gln; replaces glutamic acid 2305 with glutamine.
Molecular consequence: missense variant.
Genome position (GRCh38, 1-based): chr2:178,774,351, C>G on the plus strand (G>C on the coding strand, the complement: TTN is on the minus strand). VCF-style: chr2-178774351-C-G. GRCh37 (hg19) VCF-style: chr2-179639078-C-G.
Other names: c.6913G>C, p.Glu2305Gln (NM_001256850.1, NM_133378.4, NM_133379.5); c.6775G>C, p.Glu2259Gln (NM_003319.4, NM_133432.3, NM_133437.4); short protein forms E2259Q, E2305Q.
Identifiers: ClinVar variation 3341002 (VCV003341002.2).

ClinVar aggregate classification (germline): Uncertain significance (1 of 4 stars; one submission).

gnomAD v4.1: 18 of 1,613,966 alleles (0.0011%); highest among the groups gnomAD compares: African/African-American, 0.008%; no homozygotes.

Submission:

GeneDx
Classification: Uncertain significance. Last evaluated: 2024-10-28. Review status: criteria provided, single submitter. Criteria: GeneDx Variant Classification Process June 2021. Collection method: clinical testing. Allele origin: germline.
Comment: Not observed at significant frequency in large population cohorts (gnomAD); Missense variant in a gene in which most reported pathogenic variants are truncating/loss of function; Has not been previously published as pathogenic or benign to our knowledge